The following is an entry in ClinVar:

NM_014263.4(YME1L1):c.1885A>C (p.Lys629Gln)

Gene: YME1L1 (YME1 like 1 ATPase; minus strand). Cytogenetic location: 10p12.1.
Variant type: single nucleotide variant.
Coding change: c.1885A>C on transcript NM_014263.4 (MANE Select); coding-DNA position 1885, A replaced by C.
Protein change: p.Lys629Gln; replaces lysine 629 with glutamine.
Molecular consequence: missense variant.
Genome position (GRCh38, 1-based): chr10:27,116,095, T>G on the plus strand (A>C on the coding strand, the complement: YME1L1 is on the minus strand). VCF-style: chr10-27116095-T-G. GRCh37 (hg19) VCF-style: chr10-27405024-T-G.
Other names: c.1786A>C, p.Lys596Gln (NM_001253866.2); c.2056A>C, p.Lys686Gln (NM_139312.3); short protein forms K686Q, K596Q, K629Q.
Identifiers: ClinVar variation 3691788 (VCV003691788.2).

ClinVar aggregate classification (germline): Uncertain significance (1 of 4 stars; one submission).

Submission:

Labcorp Genetics (formerly Invitae), Labcorp
Classification: Uncertain significance. Last evaluated: 2025-01-15. Review status: criteria provided, single submitter. Criteria: Invitae Variant Classification Sherloc (09022015). Collection method: clinical testing. Allele origin: germline.
Comment: This sequence change replaces lysine, which is basic and polar, with glutamine, which is neutral and polar, at codon 686 of the YME1L1 protein (p.Lys686Gln). This variant is not present in population databases (gnomAD no frequency). This variant has not been reported in the literature in individuals affected with YME1L1-related conditions. An algorithm developed to predict the effect of missense changes on protein structure and function (PolyPhen-2) suggests that this variant is likely to be tolerated. In summary, the available evidence is currently insufficient to determine the role of this variant in disease. Therefore, it has been classified as a Variant of Uncertain Significance.